The following is an entry in ClinVar:

NM_001013838.3(CARMIL2):c.3112G>A (p.Gly1038Ser)

Gene: CARMIL2 (capping protein regulator and myosin 1 linker 2; plus strand). Cytogenetic location: 16q22.1.
Variant type: single nucleotide variant.
Coding change: c.3112G>A on transcript NM_001013838.3 (MANE Select); coding-DNA position 3112, G replaced by A.
Protein change: p.Gly1038Ser; replaces glycine 1038 with serine.
Molecular consequence: missense variant.
Genome position (GRCh38, 1-based): chr16:67,653,246, G>A. VCF-style: chr16-67653246-G-A. GRCh37 (hg19) VCF-style: chr16-67687149-G-A.
Other names: c.3004G>A, p.Gly1002Ser (NM_001317026.3); short protein forms G1002S, G1038S.
Identifiers: ClinVar variation 1911427 (VCV001911427.4), dbSNP rs1471715896, ClinGen allele CA396343406.
Genomic context (GRCh38, chr16:67,653,246, plus strand): 5'-CATCCGACCCGGGCCCGGCCGCGGCCGCGCCGCCAGCACCACCACCGCCCGCCGCCGGGG[G>A]GCCCCCAGGTGAGCACCCTTCCCCCACTCCGGAGCGCGTGGAATTGGGGATCACGGGTGG-3'
Protein context (NP_001013860.1, residues 1028-1048): RQHHHRPPPG[Gly1038Ser]PQVPPALPQE

ClinVar aggregate classification (germline): Uncertain significance (1 of 4 stars; one submission).

Allele frequency attached by ClinVar (database versions not stated): gnomAD exomes below 0.00001; TOPMed below 0.00001.

Submission:

Labcorp Genetics (formerly Invitae), Labcorp
Classification: Uncertain significance. Last evaluated: 2024-04-08. Review status: criteria provided, single submitter. Criteria: Invitae Variant Classification Sherloc (09022015). Collection method: clinical testing. Allele origin: germline.
Comment: This sequence change replaces glycine, which is neutral and non-polar, with serine, which is neutral and polar, at codon 1038 of the CARMIL2 protein (p.Gly1038Ser). The frequency data for this variant in the population databases is considered unreliable, as metrics indicate insufficient coverage at this position in the gnomAD database. This variant has not been reported in the literature in individuals affected with CARMIL2-related conditions. ClinVar contains an entry for this variant (Variation ID: 1911427). Advanced modeling of protein sequence and biophysical properties (such as structural, functional, and spatial information, amino acid conservation, physicochemical variation, residue mobility, and thermodynamic stability) performed at Invitae indicates that this missense variant is not expected to disrupt CARMIL2 protein function with a negative predictive value of 80%. In summary, the available evidence is currently insufficient to determine the role of this variant in disease. Therefore, it has been classified as a Variant of Uncertain Significance.